The following is an entry in ClinVar:

NM_012179.4(FBXO7):c.364G>A (p.Asp122Asn)

Gene: FBXO7 (F-box protein 7; plus strand). Cytogenetic location: 22q12.3.
Variant type: single nucleotide variant.
Coding change: c.364G>A on transcript NM_012179.4 (MANE Select); coding-DNA position 364, G replaced by A.
Protein change: p.Asp122Asn; replaces aspartic acid 122 with asparagine.
Molecular consequence: missense variant.
Genome position (GRCh38, 1-based): chr22:32,479,222, G>A. VCF-style: chr22-32479222-G-A. GRCh37 (hg19) VCF-style: chr22-32875209-G-A.
Other names: c.127G>A, p.Asp43Asn (NM_001033024.2); c.22G>A, p.Asp8Asn (NM_001257990.2); short protein forms D43N, D122N, D8N.
Identifiers: ClinVar variation 1391125 (VCV001391125.3), dbSNP rs772662803, ClinGen allele CA10201402.

ClinVar aggregate classification (germline): Uncertain significance (1 of 4 stars; one submission).

Conditions:
Parkinsonian-pyramidal syndrome. Also called: PARKINSON DISEASE 15, AUTOSOMAL RECESSIVE EARLY-ONSET; PARKINSON DISEASE 15, AUTOSOMAL RECESSIVE; PALLIDOPYRAMIDAL SYNDROME. Identifiers: Orphanet 171695, MedGen C1850100, MONDO:0009830, OMIM 260300.

Allele frequency attached by ClinVar (database versions not stated): gnomAD 0.00001 and 0.00002; gnomAD exomes 0.00001 and 0.00003; ExAC 0.00003; TOPMed 0.00003.
gnomAD v4.1: 16 of 1,613,942 alleles (0.00099%); highest among the groups gnomAD compares: Middle Eastern, 0.016%; no homozygotes.

Submission:

Labcorp Genetics (formerly Invitae), Labcorp
Classification: Uncertain significance for Parkinsonian-pyramidal syndrome. Last evaluated: 2022-05-22. Review status: criteria provided, single submitter. Criteria: Invitae Variant Classification Sherloc (09022015). Collection method: clinical testing. Allele origin: germline.
Comment: This sequence change replaces aspartic acid, which is acidic and polar, with asparagine, which is neutral and polar, at codon 122 of the FBXO7 protein (p.Asp122Asn). This variant is present in population databases (rs772662803, gnomAD 0.02%). This variant has not been reported in the literature in individuals affected with FBXO7-related conditions. Algorithms developed to predict the effect of missense changes on protein structure and function (SIFT, PolyPhen-2, Align-GVGD) all suggest that this variant is likely to be tolerated. In summary, the available evidence is currently insufficient to determine the role of this variant in disease. Therefore, it has been classified as a Variant of Uncertain Significance.